The following is an entry in ClinVar:

NM_005482.3(PIGK):c.746A>G (p.Tyr249Cys)

Gene: PIGK (phosphatidylinositol glycan anchor biosynthesis class K; minus strand). Cytogenetic location: 1p31.1.
Variant type: single nucleotide variant.
Coding change: c.746A>G on transcript NM_005482.3 (MANE Select); coding-DNA position 746, A replaced by G.
Protein change: p.Tyr249Cys; replaces tyrosine 249 with cysteine.
Molecular consequence: missense variant.
Genome position (GRCh38, 1-based): chr1:77,161,362, T>C on the plus strand (A>G on the coding strand, the complement: PIGK is on the minus strand). VCF-style: chr1-77161362-T-C. GRCh37 (hg19) VCF-style: chr1-77627047-T-C.
Other names: short protein forms Y249C.
Identifiers: ClinVar variation 3373633 (VCV003373633.3).
Genomic context (GRCh38, chr1:77,161,362, plus strand): 5'-TTCATATTAGTTTGGCTAGCTGGGTTAATTTCTTCCAAAAATTCCAAGACATAAAATGTG[T>C]ATCTATCCATAAGATGGACTCCAATTGCAGGATCAGGTTGATGCTATGGAAAGGGGGAAA-3'
Protein context (NP_005473.1, residues 239-259): PAIGVHLMDR[Tyr249Cys]TFYVLEFLEE

ClinVar aggregate classification (germline): Likely pathogenic (1 of 4 stars; one submission).

gnomAD v4.1: 3 of 1,606,616 alleles (0.00019%); highest among the groups gnomAD compares: Admixed American, 0.005%; no homozygotes.

Submission:

GeneDx
Classification: Likely pathogenic. Last evaluated: 2025-08-09. Review status: criteria provided, single submitter. Criteria: GeneDx Variant Classification Process June 2021. Collection method: clinical testing. Allele origin: germline. Affected: yes.
Comment: In silico analysis supports that this missense variant has a deleterious effect on protein structure/function; Has not been previously published as pathogenic or benign to our knowledge